The following is an entry in ClinVar:

NM_000077.5(CDKN2A):c.164G>C (p.Gly55Ala)

Gene: CDKN2A (cyclin dependent kinase inhibitor 2A; minus strand). Cytogenetic location: 9p21.3.
Variant type: single nucleotide variant.
Coding change: c.164G>C on transcript NM_000077.5; coding-DNA position 164, G replaced by C.
Protein change: p.Gly55Ala; replaces glycine 55 with alanine.
Molecular consequence: missense variant (on NM_000077.6). On other transcripts: synonymous variant (1), 3 prime UTR variant (1).
Genome position (GRCh38, 1-based): chr9:21,971,195, C>G on the plus strand (G>C on the coding strand, the complement: CDKN2A is on the minus strand). VCF-style: chr9-21971195-C-G. GRCh37 (hg19) VCF-style: chr9-21971194-C-G.
Other names: c.164G>C, p.Gly55Ala (NM_000077.6, NM_001195132.2); c.11G>C, p.Gly4Ala (NM_001363763.2); c.207G>C, p.Gly69= (NM_058195.4); c.*87G>C (NM_058197.5); short protein forms G55A, G4A.
Identifiers: ClinVar variation 2563916 (VCV002563916.3), dbSNP rs561034503, ClinGen allele CA373086429.

ClinVar aggregate classification (germline): Uncertain significance (1 of 4 stars; one submission).

Conditions:
Hereditary cancer-predisposing syndrome. Also called: Tumor predisposition; Neoplastic Syndromes, Hereditary; Hereditary Cancer Syndrome; Hereditary neoplastic syndrome. Identifiers: Orphanet 140162, MedGen C0027672, MeSH D009386, MONDO:0015356.

gnomAD v4.1: 1 of 1,597,694 alleles (0.000063%); no homozygotes.

Submission:

Ambry Genetics
Classification: Uncertain significance for Hereditary cancer-predisposing syndrome. Last evaluated: 2023-06-15. Review status: criteria provided, single submitter. Criteria: Ambry Variant Classification Scheme 2023. Collection method: clinical testing. Allele origin: germline.
Comment: The p.G55A variant (also known as c.164G>C), located in coding exon 2 of the CDKN2A gene, results from a G to C substitution at nucleotide position 164. The glycine at codon 55 is replaced by alanine, an amino acid with similar properties. This amino acid position is highly conserved in available vertebrate species. In addition, this alteration is predicted to be deleterious by in silico analysis. Since supporting evidence is limited at this time, the clinical significance of this alteration remains unclear.